The following is an entry in ClinVar:

NM_015057.5(MYCBP2):c.269del (p.Gln90fs)

Gene: MYCBP2 (MYC binding protein 2; minus strand). Cytogenetic location: 13q22.3.
Variant type: Deletion.
Coding change: c.269del on transcript NM_015057.5 (MANE Select); coding-DNA position 269, one base deleted (A; older notation c.269delA).
Protein change: p.Gln90fs; shifts the reading frame from glutamine 90.
Molecular consequence: frameshift variant.
Genome position (GRCh38, 1-based): chr13:77,326,507, T deleted on the plus strand (A on the coding strand, the reverse complement: MYCBP2 is on the minus strand). VCF-style (leftmost placement, unchanged base first): chr13-77326506-CT-C. GRCh37 (hg19) VCF-style: chr13-77900641-CT-C.
Other names: short protein forms Q90fs.
Identifiers: ClinVar variation 4978088 (VCV004978088.1).
Genomic context (GRCh38, chr13:77,326,506, plus strand): 5'-CGCAAGGAAGGGCACCCTGGGGACGCACCTGGAGGCTGGGTGTCCAGCGCTGCCGCCCCC[CT>C]GGTCCCTGTCATTGAGCGCAGCGGTATAAATCCTCCGGTAGCGGTCGGCCAGGGCCCGGC-3'

ClinVar aggregate classification (germline): Uncertain significance (1 of 4 stars; one submission).

Conditions:
MYCBP2-related disorder. Also called: MYCBP2-related condition.

Submission:

PreventionGenetics, part of Exact Sciences
Classification: Uncertain significance for MYCBP2-related condition. Last evaluated: 2026-04-07. Review status: criteria provided, single submitter. Criteria: ACMG Guidelines, 2015. Collection method: clinical testing. Allele origin: germline.
Comment: The MYCBP2 c.269delA variant is predicted to result in a frameshift and premature protein termination (p.Gln90Argfs*17). To our knowledge, this variant has not been reported in the literature. This variant is absent in a large population database (gnomAD), indicating this variant is rare. At this time, loss-of-function variants in MYCBP2 are not an established mechanism of disease. Although we suspect that this variant may be pathogenic, at this time, the clinical significance of this variant is uncertain due to the absence of conclusive functional and genetic evidence.